The following is an entry in ClinVar:

NM_001371904.1(APOA5):c.161+3G>A

Genes: APOA5 (apolipoprotein A5; minus strand), LOC108491825 (enhancer-blocking element 11-1-2 overlapping APOA5; plus strand). Cytogenetic location: 11q23.3.
Variant type: single nucleotide variant.
Coding change: c.161+3G>A on transcript NM_001371904.1 (MANE Select); 3 bases into the intron after coding-DNA position 161, G replaced by A.
Molecular consequence: intron variant.
Genome position (GRCh38, 1-based): chr11:116,791,583, C>T on the plus strand (G>A on the coding strand, the complement: APOA5 is on the minus strand). VCF-style: chr11-116791583-C-T. GRCh37 (hg19) VCF-style: chr11-116662299-C-T.
Other names: c.161+3G>A (NM_001166598.2, NM_052968.5).
Identifiers: ClinVar variation 1776373 (VCV001776373.7), dbSNP rs372791079, ClinGen allele CA6289148.

ClinVar aggregate classification (germline): Uncertain significance. Review status: criteria provided, multiple submitters, no conflicts (2 of 4 stars). 3 submissions from 3 submitters: Uncertain significance (2). 1 of the submissions does not count toward it. Last evaluated 2026-01-21.

Conditions:
APOA5-related disorder. Also called: APOA5-related condition.
Cardiovascular phenotype. Identifiers: MedGen CN230736.

Allele frequency attached by ClinVar (database versions not stated): ESP Exome Variant Server 0.00008; ExAC 0.00010; gnomAD 0.00002; gnomAD exomes 0.00006.

Submissions (3):

Labcorp Genetics (formerly Invitae), Labcorp
Classification: Uncertain significance. Last evaluated: 2026-01-21. Review status: criteria provided, single submitter. Criteria: Invitae Variant Classification Sherloc (09022015). Collection method: clinical testing. Allele origin: germline.
Comment: This sequence change falls in intron 3 of the APOA5 gene. It does not directly change the encoded amino acid sequence of the APOA5 protein. It affects a nucleotide within the consensus splice site. This variant is present in population databases (rs372791079, gnomAD 0.006%). This variant has not been reported in the literature in individuals affected with APOA5-related conditions. ClinVar contains an entry for this variant (Variation ID: 1776373). Variants that disrupt the consensus splice site are a relatively common cause of aberrant splicing (PMID: 17576681, 9536098). Algorithms developed to predict the effect of sequence changes on RNA splicing suggest that this variant is not likely to affect RNA splicing. In summary, the available evidence is currently insufficient to determine the role of this variant in disease. Therefore, it has been classified as a Variant of Uncertain Significance.

Ambry Genetics
Classification: Uncertain significance for Cardiovascular phenotype. Last evaluated: 2024-03-01. Review status: criteria provided, single submitter. Criteria: Ambry Variant Classification Scheme 2023. Collection method: clinical testing. Allele origin: germline.
Comment: The c.161+3G>A intronic variant results from a G to A substitution 3 nucleotides after coding exon 2 in the APOA5 gene. This nucleotide position is well conserved in available vertebrate species. In silico splice site analysis predicts that this alteration will not have any significant effect on splicing. Since supporting evidence is limited at this time, the clinical significance of this alteration remains unclear.

PreventionGenetics, part of Exact Sciences
Classification: Likely benign for APOA5-related condition. Last evaluated: 2021-03-01. Review status: no assertion criteria provided. Collection method: clinical testing. Allele origin: germline. Not counted in ClinVar's aggregate classification.
Comment: This variant is classified as likely benign based on ACMG/AMP sequence variant interpretation guidelines (Richards et al. 2015 PMID: 25741868, with internal and published modifications).

Literature cited by the submitters: PubMed 17576681 (cited by Labcorp Genetics (formerly Invitae), Labcorp); PubMed 9536098 (cited by Labcorp Genetics (formerly Invitae), Labcorp).